The following is an entry in ClinVar:

NM_006767.4(LZTR1):c.1421T>A (p.Ile474Asn)

Gene: LZTR1 (leucine zipper like post translational regulator 1; plus strand). Cytogenetic location: 22q11.21.
Variant type: single nucleotide variant.
Coding change: c.1421T>A on transcript NM_006767.4 (MANE Select); coding-DNA position 1421, T replaced by A.
Protein change: p.Ile474Asn; replaces isoleucine 474 with asparagine.
Molecular consequence: missense variant.
Genome position (GRCh38, 1-based): chr22:20,993,991, T>A. VCF-style: chr22-20993991-T-A. GRCh37 (hg19) VCF-style: chr22-21348280-T-A.
Other names: short protein forms I474N.
Identifiers: ClinVar variation 2496801 (VCV002496801.6), dbSNP rs2518620552, ClinGen allele CA410775268.

ClinVar aggregate classification (germline): Uncertain significance. Review status: criteria provided, multiple submitters, no conflicts (2 of 4 stars). 2 submissions from 2 submitters: Uncertain significance (2). Last evaluated 2025-11-13.

Conditions:
Hereditary cancer-predisposing syndrome. Also called: Neoplastic Syndromes, Hereditary; Hereditary neoplastic syndrome; Tumor predisposition; Hereditary Cancer Syndrome. Identifiers: Orphanet 140162, MedGen C0027672, MeSH D009386, MONDO:0015356.
Cardiovascular phenotype. Identifiers: MedGen CN230736.

Submissions (2):

Ambry Genetics
Classification: Uncertain significance for Cardiovascular phenotype; Hereditary cancer-predisposing syndrome. Last evaluated: 2025-11-13. Review status: criteria provided, single submitter. Criteria: Ambry Variant Classification Scheme 2023. Collection method: clinical testing. Allele origin: germline.
Comment: The p.I474N variant (also known as c.1421T>A), located in coding exon 13 of the LZTR1 gene, results from a T to A substitution at nucleotide position 1421. The isoleucine at codon 474 is replaced by asparagine, an amino acid with dissimilar properties. This amino acid position is conserved. In addition, the in silico prediction for this alteration is inconclusive. Based on the available evidence, the clinical significance of this variant remains unclear.

Labcorp Genetics (formerly Invitae), Labcorp
Classification: Uncertain significance. Last evaluated: 2025-10-07. Review status: criteria provided, single submitter. Criteria: Invitae Variant Classification Sherloc (09022015). Collection method: clinical testing. Allele origin: germline.
Comment: This sequence change replaces isoleucine, which is neutral and non-polar, with asparagine, which is neutral and polar, at codon 474 of the LZTR1 protein (p.Ile474Asn). This variant is not present in population databases (gnomAD no frequency). This variant has not been reported in the literature in individuals affected with LZTR1-related conditions. ClinVar contains an entry for this variant (Variation ID: 2496801). Invitae Evidence Modeling of protein sequence and biophysical properties (such as structural, functional, and spatial information, amino acid conservation, physicochemical variation, residue mobility, and thermodynamic stability) indicates that this missense variant is not expected to disrupt LZTR1 protein function with a negative predictive value of 80%. In summary, the available evidence is currently insufficient to determine the role of this variant in disease. Therefore, it has been classified as a Variant of Uncertain Significance.